The following is an entry in ClinVar:

ClinVar aggregate classification (germline): Pathogenic (1 of 4 stars; one submission).

Conditions:
Inborn genetic diseases. Identifiers: MedGen C0950123, MeSH D030342.

Submission:

Ambry Genetics
Classification: Pathogenic for Inborn genetic diseases. Last evaluated: 2020-07-14. Review status: criteria provided, single submitter. Criteria: Ambry Variant Classification Scheme 2023. Collection method: clinical testing. Allele origin: germline.
Comment: The alteration results in a premature stop codon: _x000D_ _x000D_ The c.94_157del64 (p.G32Rfs*66) alteration, located in coding exon 1 of the NR2F1 gene, results from a deletion of 64 nucleotides from position 94 to 157, causing a translational frameshift with a predicted alternate stop codon after 66 amino acids. This alteration is expected to result in loss of function by premature protein truncation or nonsense-mediated mRNA decay. Based on the available evidence, this alteration is classified as pathogenic.

NM_005654.6(NR2F1):c.94_157del (p.Gly32fs)

Genes: NR2F1 (nuclear receptor subfamily 2 group F member 1; plus strand), NR2F1-AS1 (NR2F1 regulatory antisense RNA 1; minus strand). Cytogenetic location: 5q15.
Variant type: Deletion.
Coding change: c.94_157del on transcript NM_005654.6 (MANE Select); coding-DNA positions 94 to 157, 64 bases deleted.
Protein change: p.Gly32fs; shifts the reading frame from glycine 32.
Molecular consequence: frameshift variant.
Genome position (GRCh38, 1-based): chr5:93,585,117-93,585,180, 64 bases deleted. GRCh37 (hg19): chr5:92,920,823-92,920,886.
Other names: short protein forms G32fs.
Identifiers: ClinVar variation 2227203 (VCV002227203.2), dbSNP rs2480801085, ClinGen allele CA2580073785.